The following is an entry in ClinVar:

ClinVar aggregate classification (germline): Pathogenic (1 of 4 stars; one submission).

Conditions:
Hypokalemic tubulopathy and deafness. Identifiers: MedGen C5543621, MONDO:0859167, OMIM 619406.

Allele frequency attached by ClinVar (database versions not stated): ExAC 0.00004; TOPMed 0.00005; gnomAD 0.00006; ESP Exome Variant Server 0.00008.
gnomAD v4.1: 24 of 1,614,048 alleles (0.0015%); highest among the groups gnomAD compares: African/African-American, 0.012%; no homozygotes.

Submission:

Women's Health and Genetics/Laboratory Corporation of America, LabCorp
Classification: Pathogenic for Hypokalemic tubulopathy and deafness. Last evaluated: 2024-03-27. Review status: criteria provided, single submitter. Criteria: LabCorp Variant Classification Summary - May 2015. Collection method: clinical testing. Allele origin: germline.
Comment: Variant summary: KCNJ16 c.255G>A (p.Trp85X) results in a premature termination codon, predicted to cause a truncation of the encoded protein or absence of the protein due to nonsense mediated decay, which are commonly known mechanisms for disease. The variant allele was found at a frequency of 3.2e-05 in 251408 control chromosomes. To our knowledge, no occurrence of c.255G>A in individuals affected with Hypokalemic Tubulopathy And Deafness and no experimental evidence demonstrating its impact on protein function have been reported. No submitters have cited clinical-significance assessments for this variant to ClinVar. Based on the evidence outlined above, the variant was classified as pathogenic.

NM_170741.4(KCNJ16):c.255G>A (p.Trp85Ter)

Gene: KCNJ16 (potassium inwardly rectifying channel subfamily J member 16; plus strand). Cytogenetic location: 17q24.3.
Variant type: single nucleotide variant.
Coding change: c.255G>A on transcript NM_170741.4 (MANE Select); coding-DNA position 255, G replaced by A.
Protein change: p.Trp85Ter; replaces tryptophan 85 with a stop codon.
Molecular consequence: nonsense.
Genome position (GRCh38, 1-based): chr17:70,132,342, G>A. VCF-style: chr17-70132342-G-A. GRCh37 (hg19) VCF-style: chr17-68128483-G-A.
Other names: c.255G>A, p.Trp85Ter (NM_001270422.2, NM_001291622.3, NM_001291623.2 and 4 more transcripts); short protein forms W85*.
Identifiers: ClinVar variation 3233748 (VCV003233748.4), dbSNP rs372090809, ClinGen allele CA8738456.